The following is an entry in ClinVar:

NM_000038.6(APC):c.2313A>T (p.Glu771Asp)

Gene: APC (APC regulator of Wnt signaling pathway; plus strand). Cytogenetic location: 5q22.2.
Variant type: single nucleotide variant.
Coding change: c.2313A>T on transcript NM_000038.6 (MANE Select); coding-DNA position 2313, A replaced by T.
Protein change: p.Glu771Asp; replaces glutamic acid 771 with aspartic acid.
Molecular consequence: missense variant. On other transcripts: non-coding transcript variant (2).
Genome position (GRCh38, 1-based): chr5:112,837,907, A>T. VCF-style: chr5-112837907-A-T. GRCh37 (hg19) VCF-style: chr5-112173604-A-T.
Other names: c.2313A>T, p.Glu771Asp (NM_001127510.3, NM_001354895.2, NM_001407450.1); c.2259A>T, p.Glu753Asp (NM_001127511.3); c.2367A>T, p.Glu789Asp (NM_001354896.2, NM_001407447.1, NM_001407448.1 and 1 more transcripts); c.2343A>T, p.Glu781Asp (NM_001354897.2); c.2238A>T, p.Glu746Asp (NM_001354898.2); c.2229A>T, p.Glu743Asp (NM_001354899.2); c.2190A>T, p.Glu730Asp (NM_001354900.2); c.2136A>T, p.Glu712Asp (NM_001354901.2, NM_001407453.1); and 11 more; short protein forms E387D, E488D, E611D, E642D, E645D, E670D, E680D, E688D.
Identifiers: ClinVar variation 4801451 (VCV004801451.1).

ClinVar aggregate classification (germline): Uncertain significance (1 of 4 stars; one submission).

Conditions:
Familial adenomatous polyposis 1 (FAP1). Also called: FAMILIAL ADENOMATOUS POLYPOSIS 1, ATTENUATED; POLYPOSIS, ADENOMATOUS INTESTINAL. Identifiers: MedGen C2713442, MONDO:0021056, OMIM 175100. Disease mechanism: loss of function.

Submission:

Labcorp Genetics (formerly Invitae), Labcorp
Classification: Uncertain significance for Familial adenomatous polyposis 1. Last evaluated: 2025-04-10. Review status: criteria provided, single submitter. Criteria: Invitae Variant Classification Sherloc (09022015). Collection method: clinical testing. Allele origin: germline.
Comment: This sequence change replaces glutamic acid, which is acidic and polar, with aspartic acid, which is acidic and polar, at codon 771 of the APC protein (p.Glu771Asp). This variant is not present in population databases (gnomAD no frequency). This variant has not been reported in the literature in individuals affected with APC-related conditions. Invitae Evidence Modeling of protein sequence and biophysical properties (such as structural, functional, and spatial information, amino acid conservation, physicochemical variation, residue mobility, and thermodynamic stability) indicates that this missense variant is not expected to disrupt APC protein function with a negative predictive value of 95%. In summary, the available evidence is currently insufficient to determine the role of this variant in disease. Therefore, it has been classified as a Variant of Uncertain Significance.